The following is an entry in ClinVar:

NM_144499.3(GNAT1):c.449+5_449+6delinsAA

Gene: GNAT1 (G protein subunit alpha transducin 1; plus strand). Cytogenetic location: 3p21.31.
Variant type: Indel.
Coding change: c.449+5_449+6delinsAA on transcript NM_144499.3 (MANE Select); bases 5 to 6 of the intron after coding-DNA position 449, GC replaced by AA.
Molecular consequence: intron variant.
Genome position (GRCh38, 1-based): chr3:50,193,668-50,193,669, GC replaced by AA. VCF-style: chr3-50193668-GC-AA. GRCh37 (hg19) VCF-style: chr3-50231101-GC-AA.
Other names: c.449+5_449+6delinsAA (NM_000172.4).
Identifiers: ClinVar variation 4732742 (VCV004732742.1).

ClinVar aggregate classification (germline): Uncertain significance (1 of 4 stars; one submission).

Submission:

Labcorp Genetics (formerly Invitae), Labcorp
Classification: Uncertain significance. Last evaluated: 2025-12-08. Review status: criteria provided, single submitter. Criteria: Invitae Variant Classification Sherloc (09022015). Collection method: clinical testing. Allele origin: germline.
Comment: This sequence change falls in intron 4 of the GNAT1 gene. It does not directly change the encoded amino acid sequence of the GNAT1 protein. It affects a nucleotide within the consensus splice site. Information on the frequency of this variant in the gnomAD database is not available, as this variant may be reported differently in the database. This variant has not been reported in the literature in individuals affected with GNAT1-related conditions. Variants that disrupt the consensus splice site are a relatively common cause of aberrant splicing (PMID: 17576681, 9536098). Experimental studies and prediction algorithms are not available or were not evaluated, and the effect of this variant on mRNA splicing is currently unknown. In summary, the available evidence is currently insufficient to determine the role of this variant in disease. Therefore, it has been classified as a Variant of Uncertain Significance.

Literature cited by the submitters: PubMed 17576681; PubMed 9536098.